The following is an entry in ClinVar:

ClinVar aggregate classification (germline): Uncertain significance. Review status: criteria provided, multiple submitters, no conflicts (2 of 4 stars). 4 submissions from 3 submitters: Uncertain significance (4). Last evaluated 2025-12-08.

Conditions:
Noonan syndrome 7 (NS7). Also called: BRAF-Related Noonan Syndrome. Identifiers: Orphanet 648, MedGen C3150970, MONDO:0013379, OMIM 613706.
LEOPARD syndrome 3 (LPRD3). Identifiers: Orphanet 500, MedGen C3150971, MONDO:0013380, OMIM 613707.
RASopathy. Also called: Noonan spectrum disorder; rasopathies. Identifiers: Orphanet 536391, MedGen C5555857, MONDO:0021060.

Allele frequency attached by ClinVar (database versions not stated): TOPMed below 0.00001.
gnomAD v4.1: 10 of 1,614,094 alleles (0.00062%); highest among the groups gnomAD compares: Non-Finnish European, 0.00085%; no homozygotes.

Submissions (4):

Labcorp Genetics (formerly Invitae), Labcorp
Classification: Uncertain significance for RASopathy. Last evaluated: 2025-12-08. Review status: criteria provided, single submitter. Criteria: Invitae Variant Classification Sherloc (09022015). Collection method: clinical testing. Allele origin: germline.
Comment: This sequence change replaces valine, which is neutral and non-polar, with isoleucine, which is neutral and non-polar, at codon 157 of the BRAF protein (p.Val157Ile). This variant is not present in population databases (gnomAD no frequency). This variant has not been reported in the literature in individuals affected with BRAF-related conditions. ClinVar contains an entry for this variant (Variation ID: 503529). Invitae Evidence Modeling of protein sequence and biophysical properties (such as structural, functional, and spatial information, amino acid conservation, physicochemical variation, residue mobility, and thermodynamic stability) indicates that this missense variant is not expected to disrupt BRAF protein function with a negative predictive value of 95%. In summary, the available evidence is currently insufficient to determine the role of this variant in disease. Therefore, it has been classified as a Variant of Uncertain Significance.

Laboratory for Molecular Medicine, Mass General Brigham Personalized Medicine
Classification: Uncertain significance. Last evaluated: 2018-03-06. Review status: criteria provided, single submitter. Criteria: LMM Criteria. Collection method: clinical testing. Allele origin: germline.
Comment: Disclaimer: This variant has not undergone full assessment. The following are preliminary notes: not in HGMD or gen pop studies; completely conserved; Conflicting predictions by prediction tools.

Illumina Laboratory Services, Illumina
Classification: Uncertain significance for Noonan syndrome 7. Last evaluated: 2017-04-27. Review status: criteria provided, single submitter. Criteria: ICSL Variant Classification Criteria 13 December 2019. Collection method: clinical testing. Allele origin: germline.

Illumina Laboratory Services, Illumina
Classification: Uncertain significance for LEOPARD syndrome 3. Last evaluated: 2017-04-27. Review status: criteria provided, single submitter. Criteria: ICSL Variant Classification Criteria 13 December 2019. Collection method: clinical testing. Allele origin: germline.

NM_004333.6(BRAF):c.469G>A (p.Val157Ile)

Gene: BRAF (B-Raf proto-oncogene, serine/threonine kinase; minus strand). Cytogenetic location: 7q34.
Variant type: single nucleotide variant.
Coding change: c.469G>A on transcript NM_004333.6 (MANE Select); coding-DNA position 469, G replaced by A.
Protein change: p.Val157Ile; replaces valine 157 with isoleucine.
Molecular consequence: missense variant. On other transcripts: intron variant (1).
Genome position (GRCh38, 1-based): chr7:140,834,644, C>T on the plus strand (G>A on the coding strand, the complement: BRAF is on the minus strand). VCF-style: chr7-140834644-C-T. GRCh37 (hg19) VCF-style: chr7-140534444-C-T.
Other names: c.469G>A, p.Val157Ile (NM_001354609.2, NM_001374244.1, NM_001374258.1 and 5 more transcripts); c.367G>A, p.Val123Ile (NM_001378470.1); c.313G>A, p.Val105Ile (NM_001378472.1, NM_001378473.1); c.240+15467G>A (NM_001378475.1); short protein forms V157I, V123I, V105I.
Identifiers: ClinVar variation 503529 (VCV000503529.13), dbSNP rs1258111302, ClinGen allele CA369593486.